The following is an entry in ClinVar:

ClinVar aggregate classification (germline): Uncertain significance. Review status: criteria provided, multiple submitters, no conflicts (2 of 4 stars). 3 submissions from 3 submitters: Uncertain significance (3). Last evaluated 2024-05-27.

Conditions:
Aortic aneurysm, familial thoracic 4 (AAT4). Also called: AORTIC ANEURYSM/AORTIC DISSECTION AND PATENT DUCTUS ARTERIOSUS. Identifiers: MedGen C1851504, MONDO:0007568, OMIM 132900.
Familial thoracic aortic aneurysm and aortic dissection (TAAD). Also called: Thoracic aortic aneurysms and dissections. Identifiers: Orphanet 91387, MedGen C4707243, MONDO:0019625.

Allele frequency attached by ClinVar (database versions not stated): gnomAD exomes below 0.00001; ExAC 0.00001.
gnomAD v4.1: 2 of 1,614,016 alleles (0.00012%); highest among the groups gnomAD compares: East Asian, 0.0022%; no homozygotes.

Submissions (3):

Labcorp Genetics (formerly Invitae), Labcorp
Classification: Uncertain significance for Aortic aneurysm, familial thoracic 4. Last evaluated: 2024-05-27. Review status: criteria provided, single submitter. Criteria: Invitae Variant Classification Sherloc (09022015). Collection method: clinical testing. Allele origin: germline.
Comment: This sequence change replaces asparagine, which is neutral and polar, with serine, which is neutral and polar, at codon 1452 of the MYH11 protein (p.Asn1452Ser). This variant is present in population databases (rs761570770, gnomAD 0.003%). This variant has not been reported in the literature in individuals affected with MYH11-related conditions. Advanced modeling of protein sequence and biophysical properties (such as structural, functional, and spatial information, amino acid conservation, physicochemical variation, residue mobility, and thermodynamic stability) performed at Invitae indicates that this missense variant is not expected to disrupt MYH11 protein function with a negative predictive value of 95%. In summary, the available evidence is currently insufficient to determine the role of this variant in disease. Therefore, it has been classified as a Variant of Uncertain Significance.

GeneDx
Classification: Uncertain significance. Last evaluated: 2023-07-25. Review status: criteria provided, single submitter. Criteria: GeneDx Variant Classification Process June 2021. Collection method: clinical testing. Allele origin: germline. Affected: yes.
Comment: Not observed at significant frequency in large population cohorts (gnomAD); In silico analysis supports that this missense variant does not alter protein structure/function; Has not been previously published as pathogenic or benign to our knowledge

All of Us Research Program, National Institutes of Health
Classification: Uncertain significance for Familial thoracic aortic aneurysm and aortic dissection. Last evaluated: 2023-04-03. Review status: criteria provided, single submitter. Criteria: ACMG Guidelines, 2015. Collection method: clinical testing. Allele origin: germline. Inheritance: Autosomal dominant inheritance. Observed: 1 variant allele, 1 heterozygote.
Comment: This missense variant replaces asparagine with serine at codon 1452 of the MYH11 protein. Computational prediction suggests that this variant may not impact protein structure and function (internally defined REVEL score threshold <= 0.5, PMID: 27666373). To our knowledge, functional studies have not been reported for this variant. This variant has not been reported in individuals affected with MYH11-related disorders in the literature. This variant has been identified in 1/251486 chromosomes in the general population by the Genome Aggregation Database (gnomAD). The available evidence is insufficient to determine the role of this variant in disease conclusively. Therefore, this variant is classified as a Variant of Uncertain Significance.

This study involves interpretation of variants in research participants for the purpose of population health screening. Participant phenotype was not available at the time of variant classification. Additional details can be found in publication PMID: 35346344, PMCID: PMC8962531

NM_002474.3(MYH11):c.4334A>G (p.Asn1445Ser)

Genes: NDE1 (nudE neurodevelopment protein 1; plus strand), MYH11 (myosin heavy chain 11; minus strand). Cytogenetic location: 16p13.11.
Variant type: single nucleotide variant.
Coding change: c.4334A>G on transcript NM_002474.3 (MANE Select); coding-DNA position 4334, A replaced by G.
Protein change: p.Asn1445Ser; replaces asparagine 1445 with serine.
Molecular consequence: missense variant. On other transcripts: synonymous variant (2).
Genome position (GRCh38, 1-based): chr16:15,724,192, T>C on the plus strand (A>G on the coding strand, the complement: MYH11 is on the minus strand). VCF-style: chr16-15724192-T-C. GRCh37 (hg19) VCF-style: chr16-15818049-T-C.
Other names: c.4355A>G, p.Asn1452Ser (NM_001040113.2, NM_001040114.2); c.4334A>G, p.Asn1445Ser (NM_022844.3); c.949T>C, p.Leu317= (NM_001143979.2, NM_017668.3); c.4334A>G (NM_002474.2); short protein forms N1445S, N1452S.
Identifiers: ClinVar variation 3070118 (VCV003070118.4), dbSNP rs761570770, ClinGen allele CA7921711.